The following is an entry in ClinVar:

NM_000285.4(PEPD):c.650_653del (p.Met217fs)

Gene: PEPD (peptidase D; minus strand). Cytogenetic location: 19q13.11.
Variant type: Deletion.
Coding change: c.650_653del on transcript NM_000285.4 (MANE Select); coding-DNA positions 650 to 653, 4 bases deleted (TGAA; older notation c.650_653delTGAA).
Protein change: p.Met217fs; shifts the reading frame from methionine 217.
Molecular consequence: frameshift variant. On other transcripts: intron variant (1).
Genome position (GRCh38, 1-based): chr19:33,463,013-33,463,016, TTCA deleted on the plus strand (TGAA on the coding strand, the reverse complement: PEPD is on the minus strand); deleting any 4 consecutive bases within chr19:33,463,013-33,463,019 gives the same sequence; the c. name uses the placement nearest the transcript's 3' end. VCF-style (leftmost placement, unchanged base first): chr19-33463012-TTTCA-T. GRCh37 (hg19) VCF-style: chr19-33953918-TTTCA-T.
Other names: c.548+15030_548+15033del (NM_001166056.2); c.458_461del, p.Met153fs (NM_001166057.2); short protein forms M153fs, M217fs.
Identifiers: ClinVar variation 2705436 (VCV002705436.3), dbSNP rs2513465496, ClinGen allele CA2697556438.
Genomic context (GRCh38, chr19:33,463,012, plus strand): 5'-TTTTTTACCTTTTAATTTTACCCGGAGAAACATGGTGGCTTACCTTTCCAACTCATATTC[TTTCA>T]TTCCCACTTTTACAGCCTTCATTACCTGGAGGACGGATATTAAGCAAAGACATTTGTATT-3'

ClinVar aggregate classification (germline): Pathogenic (1 of 4 stars; one submission).

Submission:

Labcorp Genetics (formerly Invitae), Labcorp
Classification: Pathogenic. Last evaluated: 2023-12-25. Review status: criteria provided, single submitter. Criteria: Invitae Variant Classification Sherloc (09022015). Collection method: clinical testing. Allele origin: germline.
Comment: This sequence change creates a premature translational stop signal (p.Met217Lysfs*103) in the PEPD gene. It is expected to result in an absent or disrupted protein product. Loss-of-function variants in PEPD are known to be pathogenic (PMID: 8198124, 10721675, 12384772, 17142620). This variant is not present in population databases (gnomAD no frequency). This variant has not been reported in the literature in individuals affected with PEPD-related conditions. For these reasons, this variant has been classified as Pathogenic.

Literature cited by the submitters: PubMed 8198124; PubMed 10721675; PubMed 12384772; PubMed 17142620.